The following is an entry in ClinVar:

ClinVar aggregate classification (germline): Uncertain significance (1 of 4 stars; one submission).

Conditions:
LIG3-related disorder. Also called: LIG3-related condition.

gnomAD v4.1: 11 of 1,596,316 alleles (0.00069%); highest among the groups gnomAD compares: Admixed American, 0.0035%; no homozygotes.

Submission:

PreventionGenetics, part of Exact Sciences
Classification: Uncertain significance for LIG3-related condition. Last evaluated: 2026-07-18. Review status: criteria provided, single submitter. Criteria: ACMG Guidelines, 2015. Collection method: clinical testing. Allele origin: germline.
Comment: The LIG3 c.29C>G variant is predicted to result in the amino acid substitution p.Pro10Arg. To our knowledge, this variant has not been reported in the literature. This variant is reported in 0.0031% of alleles in individuals of Latino descent in gnomAD. At this time, the clinical significance of this variant is uncertain due to the absence of conclusive functional and genetic evidence.

NM_013975.4(LIG3):c.29C>G (p.Pro10Arg)

Gene: LIG3 (DNA ligase 3; plus strand). Cytogenetic location: 17q12.
Variant type: single nucleotide variant.
Coding change: c.29C>G on transcript NM_013975.4 (MANE Select); coding-DNA position 29, C replaced by G.
Protein change: p.Pro10Arg; replaces proline 10 with arginine.
Molecular consequence: missense variant.
Genome position (GRCh38, 1-based): chr17:34,983,034, C>G. VCF-style: chr17-34983034-C-G. GRCh37 (hg19) VCF-style: chr17-33310053-C-G.
Other names: c.29C>G, p.Pro10Arg (NM_002311.5); short protein forms P10R.
Identifiers: ClinVar variation 4981861 (VCV004981861.1).